The following is an entry in ClinVar:

ClinVar aggregate classification (germline): Uncertain significance (1 of 4 stars; one submission).

Allele frequency attached by ClinVar (database versions not stated): TOPMed below 0.00001; gnomAD 0.00001.
gnomAD v4.1: 11 of 1,611,778 alleles (0.00068%); highest among the groups gnomAD compares: African/African-American, 0.0027%; no homozygotes.

Submission:

Labcorp Genetics (formerly Invitae), Labcorp
Classification: Uncertain significance. Last evaluated: 2022-08-31. Review status: criteria provided, single submitter. Criteria: Invitae Variant Classification Sherloc (09022015). Collection method: clinical testing. Allele origin: germline.
Comment: Advanced modeling of protein sequence and biophysical properties (such as structural, functional, and spatial information, amino acid conservation, physicochemical variation, residue mobility, and thermodynamic stability) performed at Invitae indicates that this missense variant is not expected to disrupt COL9A1 protein function. In summary, the available evidence is currently insufficient to determine the role of this variant in disease. Therefore, it has been classified as a Variant of Uncertain Significance. This variant has not been reported in the literature in individuals affected with COL9A1-related conditions. This variant is present in population databases (no rsID available, gnomAD 0.01%). This sequence change replaces proline, which is neutral and non-polar, with serine, which is neutral and polar, at codon 362 of the COL9A1 protein (p.Pro362Ser).

NM_001851.6(COL9A1):c.1084C>T (p.Pro362Ser)

Gene: COL9A1 (collagen type IX alpha 1 chain; minus strand). Cytogenetic location: 6q13.
Variant type: single nucleotide variant.
Coding change: c.1084C>T on transcript NM_001851.6 (MANE Select); coding-DNA position 1084, C replaced by T.
Protein change: p.Pro362Ser; replaces proline 362 with serine.
Molecular consequence: missense variant. On other transcripts: non-coding transcript variant (1).
Genome position (GRCh38, 1-based): chr6:70,272,070, G>A on the plus strand (C>T on the coding strand, the complement: COL9A1 is on the minus strand). VCF-style: chr6-70272070-G-A. GRCh37 (hg19) VCF-style: chr6-70981773-G-A.
Other names: c.355C>T, p.Pro119Ser (NM_001377289.1, NM_001377290.1, NM_078485.4); short protein forms P362S, P119S.
Identifiers: ClinVar variation 1962581 (VCV001962581.5), dbSNP rs1437663415, ClinGen allele CA364682464.